The following is an entry in ClinVar:

NM_152564.5(VPS13B):c.8437C>T (p.Gln2813Ter)

Gene: VPS13B (vacuolar protein sorting 13 homolog B; plus strand). Cytogenetic location: 8q22.2.
Variant type: single nucleotide variant.
Coding change: c.8437C>T on transcript NM_152564.5 (MANE Select); coding-DNA position 8437, C replaced by T.
Protein change: p.Gln2813Ter; replaces glutamine 2813 with a stop codon.
Molecular consequence: nonsense.
Genome position (GRCh38, 1-based): chr8:99,818,526, C>T. VCF-style: chr8-99818526-C-T. GRCh37 (hg19) VCF-style: chr8-100830754-C-T.
Other names: c.8512C>T, p.Gln2838Ter (NM_017890.5); short protein forms Q2813*, Q2838*.
Identifiers: ClinVar variation 1073463 (VCV001073463.8), dbSNP rs2130813187, ClinGen allele CA371773888.

ClinVar aggregate classification (germline): Pathogenic/Likely pathogenic. Review status: criteria provided, multiple submitters, no conflicts (2 of 4 stars). 2 submissions from 2 submitters: Pathogenic (1); Likely pathogenic (1). Last evaluated 2024-05-01.

Conditions:
VPS13B-related disorder. Also called: VPS13B-related condition.
Cohen syndrome (COH1). Also called: PEPPER SYNDROME; Cutis verticis gyrata, retinitis pigmentosa, and sensorineural deafness. Identifiers: Orphanet 193, MedGen C0265223, MONDO:0008999, OMIM 216550.

Allele frequency attached by ClinVar (database versions not stated): gnomAD exomes below 0.00001.
gnomAD v4.1: 1 of 1,614,000 alleles (0.000062%); highest among the groups gnomAD compares: South Asian, 0.0011%; no homozygotes.

Submissions (2):

Labcorp Genetics (formerly Invitae), Labcorp
Classification: Pathogenic for Cohen syndrome. Last evaluated: 2024-05-01. Review status: criteria provided, single submitter. Criteria: Invitae Variant Classification Sherloc (09022015). Collection method: clinical testing. Allele origin: germline.
Comment: This sequence change creates a premature translational stop signal (p.Gln2838*) in the VPS13B gene. It is expected to result in an absent or disrupted protein product. Loss-of-function variants in VPS13B are known to be pathogenic (PMID: 15141358, 16648375, 20461111). This variant is not present in population databases (gnomAD no frequency). This variant has not been reported in the literature in individuals affected with VPS13B-related conditions. ClinVar contains an entry for this variant (Variation ID: 1073463). Algorithms developed to predict the effect of sequence changes on RNA splicing suggest that this variant may disrupt the consensus splice site. For these reasons, this variant has been classified as Pathogenic.

Blueprint Genetics
Classification: Likely pathogenic for VPS13B-related disorders. Last evaluated: 2018-09-10. Review status: criteria provided, single submitter. Criteria: ACMG Guidelines, 2015. Collection method: clinical testing. Allele origin: germline. Affected: yes. Observed: 1 variant allele.

Literature cited by the submitters: PubMed 15141358 (cited by Labcorp Genetics (formerly Invitae), Labcorp); PubMed 16648375 (cited by Labcorp Genetics (formerly Invitae), Labcorp); PubMed 20461111 (cited by Labcorp Genetics (formerly Invitae), Labcorp).